The following is an entry in ClinVar:

NM_001754.5(RUNX1):c.407A>T (p.Asn136Ile)

Genes: RUNX1 (RUNX family transcription factor 1; minus strand), RUNX1-AS1 (RUNX1 antisense RNA 1; plus strand). Cytogenetic location: 21q22.12.
Variant type: single nucleotide variant.
Coding change: c.407A>T on transcript NM_001754.5 (MANE Select); coding-DNA position 407, A replaced by T.
Protein change: p.Asn136Ile; replaces asparagine 136 with isoleucine.
Molecular consequence: missense variant.
Genome position (GRCh38, 1-based): chr21:34,880,658, T>A on the plus strand (A>T on the coding strand, the complement: RUNX1 is on the minus strand). VCF-style: chr21-34880658-T-A. GRCh37 (hg19) VCF-style: chr21-36252955-T-A.
Other names: NM_001754.5(RUNX1):c.407A>T; p.Asn136Ile; c.326A>T, p.Asn109Ile (NM_001001890.3, NM_001122607.2); short protein forms N109I, N136I.
Identifiers: ClinVar variation 2752186 (VCV002752186.4), dbSNP rs2146362802, ClinGen allele CA410202678.

ClinVar aggregate classification (germline): Uncertain significance. Review status: reviewed by expert panel (3 of 4 stars). 2 submissions from 2 submitters: Uncertain significance (1). 1 of the submissions does not count toward it. Last evaluated 2024-09-30.

Conditions:
Hereditary thrombocytopenia and hematological cancer predisposition syndrome associated with RUNX1. Also called: Familial Platelet Disorder with Propensity to Acute Myelogenous Leukemia; Familial thrombocytopenia with propensity to acute myelogenous leukemia; PLATELET DISORDER, ASPIRIN-LIKE; RUNX1 Familial Platelet Disorder with Associated Myeloid Malignancies. Identifiers: Orphanet 71290, MedGen C1832388, MeSH C563324, MONDO:0100083, OMIM 601399.
Hereditary thrombocytopenia and hematologic cancer predisposition syndrome. Identifiers: Orphanet 71290, MedGen CN281654, MONDO:0011071.

Submissions (2):

ClinGen Myeloid Malignancy Variant Curation Expert Panel
Classification: Uncertain significance for Hereditary thrombocytopenia and hematologic cancer predisposition syndrome. Last evaluated: 2024-09-30. Review status: reviewed by expert panel. Criteria: ClinGen MyeloMalig ACMG Specifications v2. Collection method: curation. Allele origin: germline. Inheritance: Autosomal dominant inheritance.
Comment: NM_001754.5(RUNX1):c.407A>T (p.Asn136Ile) is a missense variant which has a REVEL score ≥ 0.88 (0.941) (PP3). This missense variant is located within the Runt Homology Domain (AA 89-204), but does not occur in an established hotspot residue (PM1_supporting). This variant is completely absent from all population databases with at least 20x coverage for RUNX1 (PM2_supporting). In summary, the clinical significance of this variant is uncertain. ACMG/AMP criteria applied, as specified by the Myeloid Malignancy Variant Curation Expert Panel for RUNX1: PP3, PM1_supporting, PM2_supporting.

Labcorp Genetics (formerly Invitae), Labcorp
Classification: Uncertain significance for Hereditary thrombocytopenia and hematological cancer predisposition syndrome associated with RUNX1. Last evaluated: 2023-08-11. Review status: criteria provided, single submitter. Criteria: Invitae Variant Classification Sherloc (09022015). Collection method: clinical testing. Allele origin: germline. Not counted in ClinVar's aggregate classification.
Comment: In summary, the available evidence is currently insufficient to determine the role of this variant in disease. Therefore, it has been classified as a Variant of Uncertain Significance. Advanced modeling of protein sequence and biophysical properties (such as structural, functional, and spatial information, amino acid conservation, physicochemical variation, residue mobility, and thermodynamic stability) performed at Invitae indicates that this missense variant is expected to disrupt RUNX1 protein function. This variant has not been reported in the literature in individuals affected with RUNX1-related conditions. This variant is not present in population databases (gnomAD no frequency). This sequence change replaces asparagine, which is neutral and polar, with isoleucine, which is neutral and non-polar, at codon 136 of the RUNX1 protein (p.Asn136Ile).